The following is an entry in ClinVar:

NM_014317.5(PDSS1):c.488G>A (p.Arg163His)

Gene: PDSS1 (decaprenyl diphosphate synthase subunit 1; plus strand). Cytogenetic location: 10p12.1.
Variant type: single nucleotide variant.
Coding change: c.488G>A on transcript NM_014317.5 (MANE Select); coding-DNA position 488, G replaced by A.
Protein change: p.Arg163His; replaces arginine 163 with histidine.
Molecular consequence: missense variant. On other transcripts: 5 prime UTR variant (1).
Genome position (GRCh38, 1-based): chr10:26,720,238, G>A. VCF-style: chr10-26720238-G-A. GRCh37 (hg19) VCF-style: chr10-27009167-G-A.
Other names: c.488G>A, p.Arg163His (NM_001321978.2); c.-23G>A (NM_001321979.2); short protein forms R163H.
Identifiers: ClinVar variation 878128 (VCV000878128.16), dbSNP rs780198984, ClinGen allele CA5446949.

ClinVar aggregate classification (germline): Uncertain significance. Review status: criteria provided, multiple submitters, no conflicts (2 of 4 stars). 5 submissions from 5 submitters: Uncertain significance (5). Last evaluated 2024-02-28.

Conditions:
Deafness-encephaloneuropathy-obesity-valvulopathy syndrome. Identifiers: Orphanet 254898, MedGen C3553354, MONDO:0013837, OMIM 614651.

Allele frequency attached by ClinVar (database versions not stated): TOPMed 0.00004; ExAC 0.00001; gnomAD exomes 0.00004 and 0.00002; gnomAD 0.00004.

Submissions (5):

Labcorp Genetics (formerly Invitae), Labcorp
Classification: Uncertain significance. Last evaluated: 2024-02-28. Review status: criteria provided, single submitter. Criteria: Invitae Variant Classification Sherloc (09022015). Collection method: clinical testing. Allele origin: germline.
Comment: This sequence change replaces arginine, which is basic and polar, with histidine, which is basic and polar, at codon 163 of the PDSS1 protein (p.Arg163His). This variant is present in population databases (rs780198984, gnomAD 0.003%). This variant has not been reported in the literature in individuals affected with PDSS1-related conditions. ClinVar contains an entry for this variant (Variation ID: 878128). Advanced modeling of protein sequence and biophysical properties (such as structural, functional, and spatial information, amino acid conservation, physicochemical variation, residue mobility, and thermodynamic stability) performed at Invitae indicates that this missense variant is not expected to disrupt PDSS1 protein function with a negative predictive value of 80%. In summary, the available evidence is currently insufficient to determine the role of this variant in disease. Therefore, it has been classified as a Variant of Uncertain Significance.

GeneDx
Classification: Uncertain significance. Last evaluated: 2024-02-06. Review status: criteria provided, single submitter. Criteria: GeneDx Variant Classification Process June 2021. Collection method: clinical testing. Allele origin: germline. Affected: yes.
Comment: Has not been previously published as pathogenic or benign to our knowledge; In silico analysis supports that this missense variant has a deleterious effect on protein structure/function; Not observed at significant frequency in large population cohorts (gnomAD)

Blueprint Genetics
Classification: Uncertain significance. Last evaluated: 2024-01-12. Review status: criteria provided, single submitter. Criteria: ACMG Guidelines, 2015. Collection method: clinical testing. Allele origin: germline.

Fulgent Genetics
Classification: Uncertain significance for Deafness-encephaloneuropathy-obesity-valvulopathy syndrome. Last evaluated: 2022-02-04. Review status: criteria provided, single submitter. Criteria: ACMG Guidelines, 2015. Collection method: clinical testing. Allele origin: unknown.

Illumina Laboratory Services, Illumina
Classification: Uncertain significance for Deafness-encephaloneuropathy-obesity-valvulopathy syndrome. Last evaluated: 2018-01-12. Review status: criteria provided, single submitter. Criteria: ICSL Variant Classification Criteria 13 December 2019. Collection method: clinical testing. Allele origin: germline.